The following is an entry in ClinVar:

ClinVar aggregate classification (germline): Uncertain significance (1 of 4 stars; one submission).

gnomAD v4.1: 1 of 1,613,584 alleles (0.000062%); highest among the groups gnomAD compares: South Asian, 0.0011%; no homozygotes.

Submission:

Women's Health and Genetics/Laboratory Corporation of America, LabCorp
Classification: Uncertain significance. Last evaluated: 2025-03-17. Review status: criteria provided, single submitter. Criteria: LabCorp Variant Classification Summary - May 2015. Collection method: clinical testing. Allele origin: germline.
Comment: Variant summary: AGO2 c.25C>T (p.Leu9Phe) results in a non-conservative amino acid change in the encoded protein sequence. Three of five in-silico tools predict a benign effect of the variant on protein function. Consensus agreement among computation tools predict no significant impact on normal splicing. However, these predictions have yet to be confirmed by functional studies. The variant allele was found at a frequency of 4e-06 in 250786 control chromosomes. The available data on variant occurrences in the general population are insufficient to allow any conclusion about variant significance. To our knowledge, no occurrence of c.25C>T in individuals affected with AGO2-related conditions and no experimental evidence demonstrating its impact on protein function have been reported. No submitters have cited clinical-significance assessments for this variant to ClinVar. Based on the evidence outlined above, the variant was classified as uncertain significance.

NM_012154.5(AGO2):c.25C>T (p.Leu9Phe)

Gene: AGO2 (argonaute RISC catalytic component 2; minus strand). Cytogenetic location: 8q24.3.
Variant type: single nucleotide variant.
Coding change: c.25C>T on transcript NM_012154.5 (MANE Select); coding-DNA position 25, C replaced by T.
Protein change: p.Leu9Phe; replaces leucine 9 with phenylalanine.
Molecular consequence: missense variant.
Genome position (GRCh38, 1-based): chr8:140,585,309, G>A on the plus strand (C>T on the coding strand, the complement: AGO2 is on the minus strand). VCF-style: chr8-140585309-G-A. GRCh37 (hg19) VCF-style: chr8-141595408-G-A.
Other names: c.25C>T, p.Leu9Phe (NM_001164623.3); short protein forms L9F.
Identifiers: ClinVar variation 3895606 (VCV003895606.1).
Genomic context (GRCh38, chr8:140,585,309, plus strand): 5'-GTCTAGGTGGAGGCTTGAAGGCATATCCTTGGATGGGGGGCGGCGGCGCAGGAGGTGCAA[G>A]TGCTGGAATGGCAGAGAGAACACCCATTAACGGGGGAGCAGGCTTGCTCTGCGGCCCTTC-3'
Protein context (NP_036286.2, residues 1-19): MYSGAGPA[Leu9Phe]APPAPPPPIQ